The following is an entry in ClinVar:

NM_001298.3(CNGA3):c.80G>A (p.Arg27His)

Gene: CNGA3 (cyclic nucleotide gated channel subunit alpha 3; plus strand). Cytogenetic location: 2q11.2.
Variant type: single nucleotide variant.
Coding change: c.80G>A on transcript NM_001298.3 (MANE Select); coding-DNA position 80, G replaced by A.
Protein change: p.Arg27His; replaces arginine 27 with histidine.
Molecular consequence: missense variant.
Genome position (GRCh38, 1-based): chr2:98,370,055, G>A. VCF-style: chr2-98370055-G-A. GRCh37 (hg19) VCF-style: chr2-98986518-G-A.
Other names: c.80G>A, p.Arg27His (NM_001079878.2); short protein forms R27H.
Identifiers: ClinVar variation 895317 (VCV000895317.10), dbSNP rs769433253, ClinGen allele CA1793550.

ClinVar aggregate classification (germline): Conflicting classifications of pathogenicity. Review status: criteria provided, conflicting classifications (1 of 4 stars). 4 submissions from 4 submitters: Uncertain significance (3); Likely benign (1). Last evaluated 2024-02-12.

Conditions:
Inborn genetic diseases. Identifiers: MedGen C0950123, MeSH D030342.
Achromatopsia 2 (ACHM2). Also called: COLORBLINDNESS, TOTAL; ROD MONOCHROMACY 2; ROD MONOCHROMATISM 2. Identifiers: Orphanet 49382, MedGen C1857618, MONDO:0009003, OMIM 216900.

Allele frequency attached by ClinVar (database versions not stated): TOPMed 0.00004; gnomAD 0.00005 and 0.00006; ExAC 0.00007; gnomAD exomes 0.00007.

Submissions (4):

Blueprint Genetics
Classification: Uncertain significance. Last evaluated: 2024-02-12. Review status: criteria provided, single submitter. Criteria: ACMG Guidelines, 2015. Collection method: clinical testing. Allele origin: germline.

Labcorp Genetics (formerly Invitae), Labcorp
Classification: Uncertain significance. Last evaluated: 2023-11-27. Review status: criteria provided, single submitter. Criteria: Invitae Variant Classification Sherloc (09022015). Collection method: clinical testing. Allele origin: germline.
Comment: This sequence change replaces arginine, which is basic and polar, with histidine, which is basic and polar, at codon 27 of the CNGA3 protein (p.Arg27His). This variant is present in population databases (rs769433253, gnomAD 0.04%). This variant has not been reported in the literature in individuals affected with CNGA3-related conditions. ClinVar contains an entry for this variant (Variation ID: 895317). Advanced modeling of protein sequence and biophysical properties (such as structural, functional, and spatial information, amino acid conservation, physicochemical variation, residue mobility, and thermodynamic stability) performed at Invitae indicates that this missense variant is not expected to disrupt CNGA3 protein function with a negative predictive value of 95%. In summary, the available evidence is currently insufficient to determine the role of this variant in disease. Therefore, it has been classified as a Variant of Uncertain Significance.

Ambry Genetics
Classification: Likely benign for Inborn genetic diseases. Last evaluated: 2021-08-02. Review status: criteria provided, single submitter. Criteria: Ambry Variant Classification Scheme 2023. Collection method: clinical testing. Allele origin: germline.

Illumina Laboratory Services, Illumina
Classification: Uncertain significance for Achromatopsia 2. Last evaluated: 2018-01-13. Review status: criteria provided, single submitter. Criteria: ICSL Variant Classification Criteria 13 December 2019. Collection method: clinical testing. Allele origin: germline.